The following is an entry in ClinVar:

ClinVar aggregate classification (germline): Likely benign (0 of 4 stars; one submission).

Conditions:
PLXNA3-related disorder. Also called: PLXNA3-related condition.

Allele frequency attached by ClinVar (database versions not stated): TOPMed 0.00002; 1000 Genomes Project 30x 0.00021.

Submission:

PreventionGenetics, part of Exact Sciences
Classification: Likely benign for PLXNA3-related condition. Last evaluated: 2021-12-20. Review status: no assertion criteria provided. Collection method: clinical testing. Allele origin: germline.
Comment: This variant is classified as likely benign based on ACMG/AMP sequence variant interpretation guidelines (Richards et al. 2015 PMID: 25741868, with internal and published modifications).

NM_017514.5(PLXNA3):c.3675G>A (p.Ala1225=)

Gene: PLXNA3 (plexin A3; plus strand). Cytogenetic location: Xq28.
Variant type: single nucleotide variant.
Coding change: c.3675G>A on transcript NM_017514.5 (MANE Select); coding-DNA position 3675, G replaced by A.
Protein change: p.Ala1225=; no amino-acid change (alanine 1225 retained).
Molecular consequence: synonymous variant.
Genome position (GRCh38, 1-based): chrX:154,467,856, G>A. VCF-style: chrX-154467856-G-A. GRCh37 (hg19) VCF-style: chrX-153696199-G-A.
Identifiers: ClinVar variation 3029098 (VCV003029098.2), dbSNP rs782275281, ClinGen allele CA10564694.